The following is an entry in ClinVar:

NM_000969.5(RPL5):c.155_156dup (p.Val53Ter)

Genes: DIPK1A (divergent protein kinase domain 1A; minus strand), RPL5 (ribosomal protein L5; plus strand). Cytogenetic location: 1p22.1.
Variant type: Duplication.
Coding change: c.155_156dup on transcript NM_000969.5 (MANE Select); coding-DNA positions 155 to 156, 2 bases duplicated (TA; older notation c.155_156dupTA).
Protein change: p.Val53Ter; replaces valine 53 with a stop codon.
Molecular consequence: nonsense. On other transcripts: non-coding transcript variant (1), intron variant (1).
Genome position (GRCh38, 1-based): chr1:92,833,626-92,833,627, TA duplicated; duplicating any 2 consecutive bases within chr1:92,833,625-92,833,627 gives the same sequence; the c. name uses the placement nearest the transcript's 3' end. VCF-style (leftmost placement, unchanged base first): chr1-92833624-G-GAT. GRCh37 (hg19) VCF-style: chr1-93299181-G-GAT.
Other names: c.475-592_475-591dup (NM_001252273.2); c.155_156dupTA (NM_000969.5); short protein forms V53*.
Identifiers: ClinVar variation 1325015 (VCV001325015.7), dbSNP rs2100677045, ClinGen allele CA2573051630.

ClinVar aggregate classification (germline): Pathogenic/Likely pathogenic. Review status: criteria provided, multiple submitters, no conflicts (2 of 4 stars). 2 submissions from 2 submitters: Pathogenic (1); Likely pathogenic (1). Last evaluated 2023-07-17.

Conditions:
Diamond-Blackfan anemia 6 (DBA6). Also called: RPL5-Related Diamond-Blackfan Anemia. Identifiers: Orphanet 124, MedGen C2931850, MONDO:0012937, OMIM 612561.

Submissions (2):

Victorian Clinical Genetics Services, Murdoch Childrens Research Institute
Classification: Pathogenic for Diamond-Blackfan anemia 6. Last evaluated: 2023-07-17. Review status: criteria provided, single submitter. Criteria: ACMG Guidelines, 2015. Collection method: clinical testing. Allele origin: germline. Inheritance: Autosomal dominant inheritance. Affected: yes.
Comment: Based on the classification scheme VCGS_Germline_v1.3.4, this variant is classified as Pathogenic. Following criteria are met: 0102 - Loss of function is a known mechanism of disease in this gene and is associated with Diamond-Blackfan anaemia 6 (MIM#612561). (I) 0107 - This gene is associated with autosomal dominant disease. (I) 0201 - Variant is predicted to cause nonsense-mediated decay (NMD) and loss of protein (premature termination codon is located at least 54 nucleotides upstream of the final exon-exon junction). (SP) 0251 - This variant is heterozygous. (I) 0301 - Variant is absent from gnomAD (both v2 and v3). (SP) 0701 - Other NMD-predicted variants comparable to the one identified in this case have very strong previous evidence for pathogenicity (DECIPHER). (SP) 0803 - This variant has limited previous evidence of pathogenicity in an unrelated individual. This variant has been reported as likely pathogenic (ClinVar). (SP) 0905 - No published segregation evidence has been identified for this variant. (I) 1007 - No published functional evidence has been identified for this variant. (SP) Legend: (SP) - Supporting pathogenic, (I) - Information, (SB) - Supporting benign

Revvity Omics, Revvity
Classification: Likely pathogenic for Diamond-Blackfan anemia 6. Last evaluated: 2023-01-12. Review status: criteria provided, single submitter. Criteria: ACMG Guidelines, 2015. Collection method: clinical testing. Allele origin: germline.